The following is an entry in ClinVar:

ClinVar aggregate classification (germline): Uncertain significance (1 of 4 stars; one submission).

Allele frequency attached by ClinVar (database versions not stated): gnomAD exomes 0.00001; ExAC 0.00002.
gnomAD v4.1: 10 of 1,608,252 alleles (0.00062%); highest among the groups gnomAD compares: South Asian, 0.0066%; no homozygotes.

Submission:

Labcorp Genetics (formerly Invitae), Labcorp
Classification: Uncertain significance. Last evaluated: 2024-03-01. Review status: criteria provided, single submitter. Criteria: Invitae Variant Classification Sherloc (09022015). Collection method: clinical testing. Allele origin: germline.
Comment: This sequence change replaces threonine, which is neutral and polar, with methionine, which is neutral and non-polar, at codon 1967 of the CACNA1D protein (p.Thr1967Met). The frequency data for this variant in the population databases is considered unreliable, as metrics indicate poor data quality at this position in the gnomAD database. This variant has not been reported in the literature in individuals affected with CACNA1D-related conditions. An algorithm developed to predict the effect of missense changes on protein structure and function (PolyPhen-2) suggests that this variant is likely to be disruptive. In summary, the available evidence is currently insufficient to determine the role of this variant in disease. Therefore, it has been classified as a Variant of Uncertain Significance.

NM_001128840.3(CACNA1D):c.5840C>T (p.Thr1947Met)

Gene: CACNA1D (calcium voltage-gated channel subunit alpha1 D; plus strand). Cytogenetic location: 3p21.1.
Variant type: single nucleotide variant.
Coding change: c.5840C>T on transcript NM_001128840.3 (MANE Select); coding-DNA position 5840, C replaced by T.
Protein change: p.Thr1947Met; replaces threonine 1947 with methionine.
Molecular consequence: missense variant.
Genome position (GRCh38, 1-based): chr3:53,808,739, C>T. VCF-style: chr3-53808739-C-T. GRCh37 (hg19) VCF-style: chr3-53842766-C-T.
Other names: c.5900C>T, p.Thr1967Met (NM_000720.4); c.5768C>T, p.Thr1923Met (NM_001128839.3); short protein forms T1923M, T1967M, T1947M.
Identifiers: ClinVar variation 2964127 (VCV002964127.3), dbSNP rs752102016, ClinGen allele CA2455284.